The following is an entry in ClinVar:

NM_181712.5(KANK4):c.1973G>A (p.Gly658Glu)

Gene: KANK4 (KN motif and ankyrin repeat domains 4; minus strand). Cytogenetic location: 1p31.3.
Variant type: single nucleotide variant.
Coding change: c.1973G>A on transcript NM_181712.5 (MANE Select); coding-DNA position 1973, G replaced by A.
Protein change: p.Gly658Glu; replaces glycine 658 with glutamic acid.
Molecular consequence: missense variant.
Genome position (GRCh38, 1-based): chr1:62,271,517, C>T on the plus strand (G>A on the coding strand, the complement: KANK4 is on the minus strand). VCF-style: chr1-62271517-C-T. GRCh37 (hg19) VCF-style: chr1-62737189-C-T.
Other names: c.89G>A, p.Gly30Glu (NM_001320269.2); short protein forms G658E, G30E.
Identifiers: ClinVar variation 3674035 (VCV003674035.2).

ClinVar aggregate classification (germline): Uncertain significance (1 of 4 stars; one submission).

gnomAD v4.1: 1 of 1,614,016 alleles (0.000062%); no homozygotes.

Submission:

Labcorp Genetics (formerly Invitae), Labcorp
Classification: Uncertain significance. Last evaluated: 2024-07-05. Review status: criteria provided, single submitter. Criteria: Invitae Variant Classification Sherloc (09022015). Collection method: clinical testing. Allele origin: germline.
Comment: This sequence change replaces glycine, which is neutral and non-polar, with glutamic acid, which is acidic and polar, at codon 658 of the KANK4 protein (p.Gly658Glu). This variant is not present in population databases (gnomAD no frequency). This variant has not been reported in the literature in individuals affected with KANK4-related conditions. An algorithm developed to predict the effect of missense changes on protein structure and function (PolyPhen-2) suggests that this variant is likely to be disruptive. In summary, the available evidence is currently insufficient to determine the role of this variant in disease. Therefore, it has been classified as a Variant of Uncertain Significance.